The following is an entry in ClinVar:

NM_000061.3(BTK):c.1517G>A (p.Cys506Tyr)

Gene: BTK (Bruton tyrosine kinase; minus strand). Cytogenetic location: Xq22.1.
Variant type: single nucleotide variant.
Coding change: c.1517G>A on transcript NM_000061.3 (MANE Select); coding-DNA position 1517, G replaced by A.
Protein change: p.Cys506Tyr; replaces cysteine 506 with tyrosine.
Molecular consequence: missense variant. On other transcripts: intron variant (1).
Genome position (GRCh38, 1-based): chrX:101,356,101, C>T on the plus strand (G>A on the coding strand, the complement: BTK is on the minus strand). VCF-style: chrX-101356101-C-T. GRCh37 (hg19) VCF-style: chrX-100611089-C-T.
Other names: c.1619G>A, p.Cys540Tyr (NM_001287344.2); c.1039-1407G>A (NM_001287345.2); short protein forms C506Y, C540Y.
Identifiers: ClinVar variation 2138648 (VCV002138648.4), dbSNP rs2520551846, ClinGen allele CA413923508.

ClinVar aggregate classification (germline): Pathogenic (1 of 4 stars; one submission).

Conditions:
X-linked agammaglobulinemia with growth hormone deficiency (IGHD3). Also called: FLEISHER SYNDROME; HYPOGAMMAGLOBULINEMIA AND ISOLATED GROWTH HORMONE DEFICIENCY, X-LINKED; IGHD III; AGAMMAGLOBULINEMIA AND ISOLATED GROWTH HORMONE DEFICIENCY, X-LINKED; Isolated growth hormone deficiency type 3; Growth hormone deficiency with hypogammaglobulinemia. Identifiers: Orphanet 231692, Orphanet 631, MedGen C0472813, MONDO:0010615, OMIM 307200.

Submission:

Labcorp Genetics (formerly Invitae), Labcorp
Classification: Pathogenic for X-linked agammaglobulinemia with growth hormone deficiency. Last evaluated: 2025-06-12. Review status: criteria provided, single submitter. Criteria: Invitae Variant Classification Sherloc (09022015). Collection method: clinical testing. Allele origin: germline.
Comment: This sequence change replaces cysteine, which is neutral and slightly polar, with tyrosine, which is neutral and polar, at codon 506 of the BTK protein (p.Cys506Tyr). This variant is not present in population databases (gnomAD no frequency). This missense change has been observed in individuals with agammaglobulinemia (PMID: 9143921, 32441320). ClinVar contains an entry for this variant (Variation ID: 2138648). Invitae Evidence Modeling of protein sequence and biophysical properties (such as structural, functional, and spatial information, amino acid conservation, physicochemical variation, residue mobility, and thermodynamic stability) indicates that this missense variant is expected to disrupt BTK protein function with a positive predictive value of 95%. For these reasons, this variant has been classified as Pathogenic.

Literature cited by the submitters: PubMed 9143921; PubMed 32441320.